The following is an entry in ClinVar:

NM_001131034.4(RNF212):c.247-2861C>T

Gene: RNF212 (ring finger protein 212; minus strand). Cytogenetic location: 4p16.3.
Variant type: single nucleotide variant.
Coding change: c.247-2861C>T on transcript NM_001131034.4 (MANE Select); 2861 bases into the intron before coding-DNA position 247, C replaced by T.
Molecular consequence: intron variant. On other transcripts: nonsense (1).
Genome position (GRCh38, 1-based): chr4:1,093,699, G>A on the plus strand (C>T on the coding strand, the complement: RNF212 is on the minus strand). VCF-style: chr4-1093699-G-A. GRCh37 (hg19) VCF-style: chr4-1087487-G-A.
Other names: c.562C>T, p.Gln188Ter (NM_001193318.3); c.247-2861C>T (NM_001366918.1, NM_001366919.1, NM_194439.5); short protein forms Q188*.
Identifiers: ClinVar variation 403382 (VCV000403382.5), dbSNP rs60035268, ClinGen allele CA2803480.

ClinVar aggregate classification (germline): Benign. Review status: criteria provided, multiple submitters, no conflicts (2 of 4 stars). 2 submissions from 2 submitters: Benign (2). Last evaluated 2016-03-28.

Allele frequency attached by ClinVar (database versions not stated): 1000 Genomes Project 30x 0.04981; 1000 Genomes Project 0.05212; ExAC 0.07860; TOPMed 0.10576; gnomAD exomes 0.10910 and 0.16099; gnomAD 0.11485 and 0.11779.
gnomAD v4.1: 238,455 of 1,536,132 alleles (16%); highest among the groups gnomAD compares: Non-Finnish European, 18%; 21,129 homozygotes.

Submissions (2):

Laboratory for Molecular Medicine, Mass General Brigham Personalized Medicine
Classification: Benign. Last evaluated: 2016-03-28. Review status: criteria provided, single submitter. Criteria: LMM Criteria. Collection method: clinical testing. Allele origin: germline.
Comment: Variant identified in a genome or exome case(s) and assessed due to predicted null impact of the variant or pathogenic assertions in the literature or databases. Disclaimer: This variant has not undergone full assessment. The following are preliminary notes: Frequency in 1000Genomes: 150/2178=6.8%

Breakthrough Genomics
Classification: Benign. Review status: criteria provided, single submitter. Criteria: ACMG Guidelines, 2015. Collection method: not provided. Allele origin: germline. Inheritance: Autosomal recessive inheritance. Affected: yes.